The following is an entry in ClinVar:

NM_006516.4(SLC2A1):c.764A>C (p.Lys255Thr)

Gene: SLC2A1 (solute carrier family 2 member 1; minus strand). Cytogenetic location: 1p34.2.
Variant type: single nucleotide variant.
Coding change: c.764A>C on transcript NM_006516.4 (MANE Select); coding-DNA position 764, A replaced by C.
Protein change: p.Lys255Thr; replaces lysine 255 with threonine.
Molecular consequence: missense variant.
Genome position (GRCh38, 1-based): chr1:42,929,696, T>G on the plus strand (A>C on the coding strand, the complement: SLC2A1 is on the minus strand). VCF-style: chr1-42929696-T-G. GRCh37 (hg19) VCF-style: chr1-43395367-T-G.
Other names: p.K255T:AAG>ACG; p.Lys255Thr; c.764A>C (NM_006516.3); short protein forms K255T.
Identifiers: ClinVar variation 159929 (VCV000159929.57), dbSNP rs5811, ClinGen allele CA019308.

ClinVar aggregate classification (germline): Conflicting classifications of pathogenicity. Review status: criteria provided, conflicting classifications (1 of 4 stars). 11 submissions from 10 submitters: Uncertain significance (6); Likely benign (4). 1 of the submissions does not count toward it. Last evaluated 2026-03-01.

Conditions:
SLC2A1-related disorder. Also called: SLC2A1-related condition; SLC2A1-related disorders.
Inborn genetic diseases. Identifiers: MedGen C0950123, MeSH D030342.
Dystonia 9 (DYT9). Also called: CHOREOATHETOSIS, KINESIGENIC, WITH EPISODIC ATAXIA AND SPASTICITY. Identifiers: Orphanet 53583, MedGen C1832855, MONDO:0010983, OMIM 601042.
Encephalopathy due to GLUT1 deficiency. Also called: Classic Glucose Transporter Type 1 Deficiency Syndrome; De Vivo disease; GLUT1 deficiency syndrome 1; Glucose transporter protein syndrome; GLUT1 deficiency syndrome 1, infantile onset, severe; GLUCOSE TRANSPORT DEFECT, BLOOD-BRAIN BARRIER. Identifiers: Orphanet 71277, MedGen C4551966, MONDO:0011724, OMIM 606777.
GLUT1 deficiency syndrome 1, autosomal recessive. Identifiers: MedGen C3149117.

Allele frequency attached by ClinVar (database versions not stated): gnomAD 0.00013; TOPMed 0.00023.

Submissions (11):

CeGaT Center for Human Genetics Tuebingen
Classification: Uncertain significance. Last evaluated: 2026-03-01. Review status: criteria provided, single submitter. Criteria: CeGaT Center For Human Genetics Tuebingen Variant Classification Criteria Version 2. Collection method: clinical testing. Allele origin: germline. Affected: yes. Observed: 5 variant alleles.

Labcorp Genetics (formerly Invitae), Labcorp
Classification: Uncertain significance for GLUT1 deficiency syndrome 1, autosomal recessive. Last evaluated: 2026-02-02. Review status: criteria provided, single submitter. Criteria: Invitae Variant Classification Sherloc (09022015). Collection method: clinical testing. Allele origin: germline.
Comment: This sequence change replaces lysine, which is basic and polar, with threonine, which is neutral and polar, at codon 255 of the SLC2A1 protein (p.Lys255Thr). This variant is present in population databases (rs5811, gnomAD 0.02%). This variant has not been reported in the literature in individuals affected with SLC2A1-related conditions. ClinVar contains an entry for this variant (Variation ID: 159929). Invitae Evidence Modeling incorporating data from in vitro experimental studies (internal data) indicates that this missense variant is not expected to disrupt SLC2A1 function with a negative predictive value of 80%. In summary, the available evidence is currently insufficient to determine the role of this variant in disease. Therefore, it has been classified as a Variant of Uncertain Significance.

Mayo Clinic Laboratories, Mayo Clinic
Classification: Uncertain significance. Last evaluated: 2025-02-05. Review status: criteria provided, single submitter. Criteria: ACMG Guidelines, 2015. Collection method: clinical testing. Allele origin: germline. Observed: 2 variant alleles.
Comment: BS2, PP2

Blueprint Genetics
Classification: Uncertain significance. Last evaluated: 2024-10-03. Review status: criteria provided, single submitter. Criteria: ACMG Guidelines, 2015. Collection method: clinical testing. Allele origin: germline.

Revvity Omics, Revvity
Classification: Likely benign. Last evaluated: 2024-08-08. Review status: criteria provided, single submitter. Criteria: ACMG Guidelines, 2015. Collection method: clinical testing. Allele origin: germline.

Ambry Genetics
Classification: Likely benign for Inborn genetic diseases. Last evaluated: 2023-03-21. Review status: criteria provided, single submitter. Criteria: Ambry Variant Classification Scheme 2023. Collection method: clinical testing. Allele origin: germline.

GeneDx
Classification: Likely benign. Last evaluated: 2020-04-06. Review status: criteria provided, single submitter. Criteria: GeneDx Variant Classification Process June 2021. Collection method: clinical testing. Allele origin: germline. Affected: yes.
Comment: This variant is associated with the following publications: (PMID: 24215330)

Illumina Laboratory Services, Illumina
Classification: Uncertain significance for Encephalopathy due to GLUT1 deficiency. Last evaluated: 2018-01-15. Review status: criteria provided, single submitter. Criteria: ICSL Variant Classification Criteria 13 December 2019. Collection method: clinical testing. Allele origin: germline.

Illumina Laboratory Services, Illumina
Classification: Uncertain significance for Dystonia 9. Last evaluated: 2018-01-15. Review status: criteria provided, single submitter. Criteria: ICSL Variant Classification Criteria 13 December 2019. Collection method: clinical testing. Allele origin: germline.

Genetic Services Laboratory, University of Chicago
Classification: Likely benign. Last evaluated: 2013-06-14. Review status: criteria provided, single submitter. Criteria: ACMG Guidelines, 2007. Collection method: clinical testing. Allele origin: germline. Inheritance: Autosomal dominant inheritance.

PreventionGenetics, part of Exact Sciences
Classification: Likely benign for SLC2A1-related condition. Last evaluated: 2024-08-09. Review status: no assertion criteria provided. Collection method: clinical testing. Allele origin: germline. Not counted in ClinVar's aggregate classification.
Comment: This variant is classified as likely benign based on ACMG/AMP sequence variant interpretation guidelines (Richards et al. 2015 PMID: 25741868, with internal and published modifications).